The following is an entry in ClinVar:

ClinVar aggregate classification (germline): Uncertain significance (1 of 4 stars; one submission).

Conditions:
Weiss-Kruszka syndrome. Also called: Metopic ridging-ptosis-facial dysmorphism syndrome. Identifiers: Orphanet 502430, MedGen C5568107, MONDO:0032836, OMIM 618619.

Submission:

3billion
Classification: Uncertain significance for Weiss-Kruszka syndrome. Last evaluated: 2024-07-28. Review status: criteria provided, single submitter. Criteria: ACMG Guidelines, 2015. Collection method: clinical testing. Allele origin: germline. Affected: yes.
Comment: The variant is not observed in the gnomAD v4.0.0 dataset. Predicted Consequence/Location: Intron variant In silico tools predict the variant to alter splicing and produce an abnormal transcript [SpliceAI: 0.86 (>=0.2, moderate evidence for spliceogenicity)]. Therefore, this variant is classified as VUS according to the recommendation of ACMG/AMP guideline.

NM_021224.6(ZNF462):c.6695+9C>G

Gene: ZNF462 (zinc finger protein 462; plus strand). Cytogenetic location: 9q31.2.
Variant type: single nucleotide variant.
Coding change: c.6695+9C>G on transcript NM_021224.6 (MANE Select); 9 bases into the intron after coding-DNA position 6695, C replaced by G.
Molecular consequence: intron variant.
Genome position (GRCh38, 1-based): chr9:106,972,281, C>G. VCF-style: chr9-106972281-C-G. GRCh37 (hg19) VCF-style: chr9-109734562-C-G.
Other names: c.4100+9C>G (NM_001347997.2).
Identifiers: ClinVar variation 4293033 (VCV004293033.1).